The following is an entry in ClinVar:

ClinVar aggregate classification (germline): Uncertain significance. Review status: criteria provided, multiple submitters, no conflicts (2 of 4 stars). 2 submissions from 2 submitters: Uncertain significance (2). Last evaluated 2026-07-24.

Conditions:
Rhabdoid tumor predisposition syndrome 2 (RTPS2). Identifiers: Orphanet 231108, Orphanet 69077, MedGen C2750074, MONDO:0013224, OMIM 613325.
Hereditary cancer-predisposing syndrome. Also called: Hereditary Cancer Syndrome; Tumor predisposition; Hereditary neoplastic syndrome; Neoplastic Syndromes, Hereditary. Identifiers: Orphanet 140162, MedGen C0027672, MeSH D009386, MONDO:0015356.

Submissions (2):

Ambry Genetics
Classification: Uncertain significance for Hereditary cancer-predisposing syndrome. Last evaluated: 2026-07-24. Review status: criteria provided, single submitter. Criteria: Ambry Variant Classification Scheme 2023. Collection method: clinical testing. Allele origin: germline.
Comment: The p.P363L variant (also known as c.1088C>T), located in coding exon 5 of the SMARCA4 gene, results from a C to T substitution at nucleotide position 1088. The proline at codon 363 is replaced by leucine, an amino acid with similar properties. This amino acid position is conserved. In addition, the in silico prediction for this alteration is inconclusive. Based on the available evidence, the clinical significance of this variant remains unclear.

Labcorp Genetics (formerly Invitae), Labcorp
Classification: Uncertain significance for Rhabdoid tumor predisposition syndrome 2. Last evaluated: 2018-04-28. Review status: criteria provided, single submitter. Criteria: Invitae Variant Classification Sherloc (09022015). Collection method: clinical testing. Allele origin: germline.
Comment: This variant is not present in population databases (ExAC no frequency). This sequence change replaces proline with leucine at codon 363 of the SMARCA4 protein (p.Pro363Leu). The proline residue is highly conserved and there is a moderate physicochemical difference between proline and leucine. This variant has not been reported in the literature in individuals with SMARCA4-related disease. In summary, the available evidence is currently insufficient to determine the role of this variant in disease. Therefore, it has been classified as a Variant of Uncertain Significance. Algorithms developed to predict the effect of missense changes on protein structure and function (SIFT, PolyPhen-2, Align-GVGD) all suggest that this variant is likely to be disruptive, but these predictions have not been confirmed by published functional studies and their clinical significance is uncertain.

NM_003072.5(SMARCA4):c.1088C>T (p.Pro363Leu)

Gene: SMARCA4 (SWI/SNF related BAF chromatin remodeling complex subunit ATPase 4; plus strand). Cytogenetic location: 19p13.2.
Variant type: single nucleotide variant.
Coding change: c.1088C>T on transcript NM_003072.5 (MANE Select); coding-DNA position 1088, C replaced by T.
Protein change: p.Pro363Leu; replaces proline 363 with leucine.
Molecular consequence: missense variant. On other transcripts: non-coding transcript variant (1).
Genome position (GRCh38, 1-based): chr19:10,987,894, C>T. VCF-style: chr19-10987894-C-T. GRCh37 (hg19) VCF-style: chr19-11098570-C-T.
Other names: c.1088C>T, p.Pro363Leu (NM_001128849.3, NM_001374457.1, NM_001387283.1 and 5 more transcripts); short protein forms P363L.
Identifiers: ClinVar variation 567127 (VCV000567127.9), dbSNP rs1568427632, ClinGen allele CA404058851.